The following is an entry in ClinVar:

NM_001270508.2(TNFAIP3):c.1877T>C (p.Leu626Pro)

Gene: TNFAIP3 (TNF alpha induced protein 3; plus strand). Cytogenetic location: 6q23.3.
Variant type: single nucleotide variant.
Coding change: c.1877T>C on transcript NM_001270508.2 (MANE Select); coding-DNA position 1877, T replaced by C.
Protein change: p.Leu626Pro; replaces leucine 626 with proline.
Molecular consequence: missense variant.
Genome position (GRCh38, 1-based): chr6:137,879,322, T>C. VCF-style: chr6-137879322-T-C. GRCh37 (hg19) VCF-style: chr6-138200459-T-C.
Other names: p.Leu626Pro; c.1877T>C, p.Leu626Pro (NM_001270507.2, NM_006290.4); short protein forms L626P.
Identifiers: ClinVar variation 4541226 (VCV004541226.2).

ClinVar aggregate classification (germline): Uncertain significance. Review status: criteria provided, multiple submitters, no conflicts (2 of 4 stars). 2 submissions from 2 submitters: Uncertain significance (2). Last evaluated 2025-06-09.

Submissions (2):

Labcorp Genetics (formerly Invitae), Labcorp
Classification: Uncertain significance. Last evaluated: 2025-06-09. Review status: criteria provided, single submitter. Criteria: Invitae Variant Classification Sherloc (09022015). Collection method: clinical testing. Allele origin: germline.
Comment: This sequence change replaces leucine, which is neutral and non-polar, with proline, which is neutral and non-polar, at codon 626 of the TNFAIP3 protein (p.Leu626Pro). This variant is not present in population databases (gnomAD no frequency). This variant has not been reported in the literature in individuals affected with TNFAIP3-related conditions. Invitae Evidence Modeling of protein sequence and biophysical properties (such as structural, functional, and spatial information, amino acid conservation, physicochemical variation, residue mobility, and thermodynamic stability) indicates that this missense variant is not expected to disrupt TNFAIP3 protein function with a negative predictive value of 80%. In summary, the available evidence is currently insufficient to determine the role of this variant in disease. Therefore, it has been classified as a Variant of Uncertain Significance.

Mayo Clinic Laboratories, Mayo Clinic
Classification: Uncertain significance. Last evaluated: 2025-01-10. Review status: criteria provided, single submitter. Criteria: ACMG Guidelines, 2015. Collection method: clinical testing. Allele origin: germline. Observed: 1 variant allele.
Comment: PM2_supporting